The following is an entry in ClinVar:

NC_000023.10:g.(?_31137344)_(31191722_31196048)dup

Gene: DMD (dystrophin; minus strand). Cytogenetic location: Xp21.2.
Variant type: Duplication.
Identifiers: ClinVar variation 1696242 (VCV001696242.1).

ClinVar aggregate classification (germline): Uncertain significance (1 of 4 stars; one submission).

Submission:

Women's Health and Genetics/Laboratory Corporation of America, LabCorp
Classification: Uncertain significance. Last evaluated: 2022-05-31. Review status: criteria provided, single submitter. Criteria: LabCorp Variant Classification Summary - May 2015. Collection method: clinical testing. Allele origin: germline.
Comment: Variant summary: The variant identified by MLPA or other technology involves the duplication of exons 72-79, which are last 8 exons of the DMD gene. The exact breakpoint at the 3' end of this variant is unknown and therefore this duplication might extend beyond the assayed region of the DMD gene. A presumed nomenclature of c.(10262+1_10263-1)_(*2692_?)dup has been designated for the purposes of this classification. It has been assumed that this is a tandem duplication in direct orientation (Richardson_GIM_2018, Newman_AJHG_2015). Since the exact breakpoints of this duplication are not known, it is not possible to predict the protein level effect of this duplication. The variant was absent in 16120 control chromosomes. The available data on variant occurrences in the general population are insufficient to allow any conclusion about variant significance. To our knowledge, no occurrence of c.(10262+1_10263-1)_(*2692_?)dup in individuals affected with Dystrophinopathies and no experimental evidence demonstrating its impact on protein function have been reported. No clinical diagnostic laboratories have submitted clinical-significance assessments for this variant to ClinVar after 2014. Based on the evidence outlined above, the variant was classified as uncertain significance.